The following is an entry in ClinVar:

ClinVar aggregate classification (germline): Benign (1 of 4 stars; one submission).

Conditions:
Amyotrophic neuralgia (HNA). Also called: AMYOTROPHY, HEREDITARY NEURALGIC; Hereditary Brachial Plexus Neuropathy; Neuritis with Brachial Predilection; AMYOTROPHY, HEREDITARY NEURALGIC, WITH PREDILECTION FOR BRACHIAL PLEXUS. Identifiers: Orphanet 2901, MedGen C1834304, MONDO:0008076, OMIM 162100.

Allele frequency attached by ClinVar (database versions not stated): 1000 Genomes Project 30x 0.00125; 1000 Genomes Project 0.00140; TOPMed 0.00284.
gnomAD v4.1: 852 of 584,924 alleles (0.15%); highest among the groups gnomAD compares: African/African-American, 0.82%; 6 homozygotes.

Submission:

Illumina Laboratory Services, Illumina
Classification: Benign for Amyotrophy, hereditary neuralgic. Last evaluated: 2018-01-13. Review status: criteria provided, single submitter. Criteria: ICSL Variant Classification Criteria 13 December 2019. Collection method: clinical testing. Allele origin: germline.
Comment: This variant was observed in the ICSL laboratory as part of a predisposition screen in an ostensibly healthy population. It had not been previously curated by ICSL or reported in the Human Gene Mutation Database (HGMD: prior to June 1st, 2018), and was therefore a candidate for classification through an automated scoring system. Utilizing variant allele frequency, disease prevalence and penetrance estimates, and inheritance mode, an automated score was calculated to assess if this variant is too frequent to cause the disease. Based on the score and internal cut-off values, a variant classified as benign is not then subjected to further curation. The score for this variant resulted in a classification of benign for this disease.

NM_001113491.2(SEPTIN9):c.*573C>G

Gene: SEPTIN9 (septin 9; plus strand). Cytogenetic location: 17q25.3.
Variant type: single nucleotide variant.
Coding change: c.*573C>G on transcript NM_001113491.2 (MANE Select); 573 bases downstream of the stop codon, C replaced by G.
Molecular consequence: 3 prime UTR variant.
Genome position (GRCh38, 1-based): chr17:77,499,231, C>G. VCF-style: chr17-77499231-C-G. GRCh37 (hg19) VCF-style: chr17-75495313-C-G.
Other names: c.*573C>G (NM_001113492.2, NM_001113493.2, NM_001113494.1 and 7 more transcripts).
Identifiers: ClinVar variation 325590 (VCV000325590.5), dbSNP rs527593353, ClinGen allele CA8794001.